The following is an entry in ClinVar:

NM_015295.3(SMCHD1):c.3538G>A (p.Gly1180Arg)

Gene: SMCHD1 (structural maintenance of chromosomes flexible hinge domain containing 1; plus strand). Cytogenetic location: 18p11.32.
Variant type: single nucleotide variant.
Coding change: c.3538G>A on transcript NM_015295.3 (MANE Select); coding-DNA position 3538, G replaced by A.
Protein change: p.Gly1180Arg; replaces glycine 1180 with arginine.
Molecular consequence: missense variant.
Genome position (GRCh38, 1-based): chr18:2,740,726, G>A. VCF-style: chr18-2740726-G-A. GRCh37 (hg19) VCF-style: chr18-2740724-G-A.
Other names: short protein forms G1180R.
Identifiers: ClinVar variation 2142515 (VCV002142515.4), dbSNP rs768096462, ClinGen allele CA8871240.

ClinVar aggregate classification (germline): Uncertain significance (1 of 4 stars; one submission).

Conditions:
Facioscapulohumeral muscular dystrophy 2 (FSHD2). Also called: FACIOSCAPULOHUMERAL MUSCULAR DYSTROPHY 2, DIGENIC; FSHD2, DIGENIC; MUSCULAR DYSTROPHY, FACIOSCAPULOHUMERAL, TYPE 1B. Identifiers: Orphanet 269, MedGen C1834671, MONDO:0008031, OMIM 158901.

Allele frequency attached by ClinVar (database versions not stated): ExAC 0.00001; gnomAD 0.00001; gnomAD exomes 0.00002; TOPMed 0.00002.
gnomAD v4.1: 24 of 1,606,900 alleles (0.0015%); highest among the groups gnomAD compares: Non-Finnish European, 0.0019%; no homozygotes.

Submission:

Labcorp Genetics (formerly Invitae), Labcorp
Classification: Uncertain significance for Facioscapulohumeral muscular dystrophy 2. Last evaluated: 2024-09-06. Review status: criteria provided, single submitter. Criteria: Invitae Variant Classification Sherloc (09022015). Collection method: clinical testing. Allele origin: germline.
Comment: This sequence change replaces glycine, which is neutral and non-polar, with arginine, which is basic and polar, at codon 1180 of the SMCHD1 protein (p.Gly1180Arg). This variant is present in population databases (rs768096462, gnomAD 0.004%). This variant has not been reported in the literature in individuals affected with SMCHD1-related conditions. ClinVar contains an entry for this variant (Variation ID: 2142515). Invitae Evidence Modeling of protein sequence and biophysical properties (such as structural, functional, and spatial information, amino acid conservation, physicochemical variation, residue mobility, and thermodynamic stability) indicates that this missense variant is expected to disrupt SMCHD1 protein function with a positive predictive value of 80%. In summary, the available evidence is currently insufficient to determine the role of this variant in disease. Therefore, it has been classified as a Variant of Uncertain Significance.